The following is an entry in ClinVar:

NM_013444.4(UBQLN2):c.1516C>T (p.Pro506Ser)

Gene: UBQLN2 (ubiquilin 2; plus strand). Cytogenetic location: Xp11.21.
Variant type: single nucleotide variant.
Coding change: c.1516C>T on transcript NM_013444.4 (MANE Select); coding-DNA position 1516, C replaced by T.
Protein change: p.Pro506Ser; replaces proline 506 with serine.
Molecular consequence: missense variant.
Genome position (GRCh38, 1-based): chrX:56,565,389, C>T. VCF-style: chrX-56565389-C-T. GRCh37 (hg19) VCF-style: chrX-56591822-C-T.
Other names: short protein forms P506S.
Identifiers: ClinVar variation 873224 (VCV000873224.2), dbSNP rs387906711, ClinGen allele CA413380724.

ClinVar aggregate classification (germline): Conflicting classifications of pathogenicity. Review status: criteria provided, conflicting classifications (1 of 4 stars). 2 submissions from 2 submitters: Pathogenic (1); Uncertain significance (1). Last evaluated 2025-03-19.

Conditions:
Amyotrophic lateral sclerosis type 15. Also called: AMYOTROPHIC LATERAL SCLEROSIS 15 WITH FRONTOTEMPORAL DEMENTIA. Identifiers: Orphanet 803, MedGen C3275459, MONDO:0010459, OMIM 300857.

Allele frequency attached by ClinVar (database versions not stated): gnomAD exomes 0.00001.

Submissions (2):

Labcorp Genetics (formerly Invitae), Labcorp
Classification: Pathogenic for Amyotrophic lateral sclerosis type 15. Last evaluated: 2025-03-19. Review status: criteria provided, single submitter. Criteria: Invitae Variant Classification Sherloc (09022015). Collection method: clinical testing. Allele origin: germline.
Comment: This sequence change replaces proline, which is neutral and non-polar, with serine, which is neutral and polar, at codon 506 of the UBQLN2 protein (p.Pro506Ser). The frequency data for this variant in the population databases is considered unreliable, as metrics indicate poor data quality at this position in the gnomAD database. This missense change has been observed in individuals with clinical features of amyotrophic lateral sclerosis (PMID: 23138764, 23944734, 30348461). It has also been observed to segregate with disease in related individuals. ClinVar contains an entry for this variant (Variation ID: 873224). Experimental studies and prediction algorithms are not available or were not evaluated, and the functional significance of this variant is currently unknown. This variant disrupts the p.Pro506 amino acid residue in UBQLN2. Other variant(s) that disrupt this residue have been determined to be pathogenic (PMID: 21857683, 23138764, 25616961, 26075709, 28716533). This suggests that this residue is clinically significant, and that variants that disrupt this residue are likely to be disease-causing. For these reasons, this variant has been classified as Pathogenic.

Suna and Inan Kirac Foundation Neurodegeneration Research Laboratory, Koc University
Classification: Uncertain significance for Amyotrophic lateral sclerosis type 15. Last evaluated: 2020-03-31. Review status: criteria provided, single submitter. Criteria: ACMG Guidelines, 2015. Collection method: research. Allele origin: germline. Affected: yes. Observed: 1 variant allele.

Literature cited by the submitters: PubMed 23138764 (cited by Labcorp Genetics (formerly Invitae), Labcorp); PubMed 23944734 (cited by Labcorp Genetics (formerly Invitae), Labcorp); PubMed 30348461 (cited by Labcorp Genetics (formerly Invitae), Labcorp); PubMed 21857683 (cited by Labcorp Genetics (formerly Invitae), Labcorp); PubMed 25616961 (cited by Labcorp Genetics (formerly Invitae), Labcorp); PubMed 26075709 (cited by Labcorp Genetics (formerly Invitae), Labcorp); PubMed 28716533 (cited by Labcorp Genetics (formerly Invitae), Labcorp).